The following is an entry in ClinVar:

NM_014425.5(INVS):c.2068+2T>C

Gene: INVS (inversin; plus strand). Cytogenetic location: 9q31.1.
Variant type: single nucleotide variant.
Coding change: c.2068+2T>C on transcript NM_014425.5 (MANE Select); the canonical splice donor site of the intron after coding-DNA position 2068, T replaced by C.
Molecular consequence: splice donor variant.
Genome position (GRCh38, 1-based): chr9:100,284,605, T>C. VCF-style: chr9-100284605-T-C. GRCh37 (hg19) VCF-style: chr9-103046887-T-C.
Other names: c.1780+2T>C (NM_001318381.2); c.1090+2T>C (NM_001318382.2).
Identifiers: ClinVar variation 1514009 (VCV001514009.9), dbSNP rs777556837, ClinGen allele CA5158540.

ClinVar aggregate classification (germline): Likely pathogenic. Review status: criteria provided, multiple submitters, no conflicts (2 of 4 stars). 2 submissions from 2 submitters: Likely pathogenic (2). Last evaluated 2025-10-17.

Conditions:
Infantile nephronophthisis (NPHP2). Also called: Nephronophthisis 2; Nephronophthisis 2, infantile. Identifiers: Orphanet 655, Orphanet 93591, MedGen C1865872, MONDO:0011190, OMIM 602088.
Nephronophthisis. Also called: Juvenile Nephronophthisis. Identifiers: Orphanet 655, MedGen C0687120, MONDO:0019005, HP:0000090.

Allele frequency attached by ClinVar (database versions not stated): ExAC 0.00001; gnomAD exomes 0.00001; gnomAD 0.00002; TOPMed 0.00004.
gnomAD v4.1: 13 of 1,612,628 alleles (0.00081%); highest among the groups gnomAD compares: Non-Finnish European, 0.00093%; no homozygotes.

Submissions (2):

Labcorp Genetics (formerly Invitae), Labcorp
Classification: Likely pathogenic for Nephronophthisis. Last evaluated: 2025-10-17. Review status: criteria provided, single submitter. Criteria: Invitae Variant Classification Sherloc (09022015). Collection method: clinical testing. Allele origin: germline.
Comment: This sequence change affects a donor splice site in intron 13 of the INVS gene. RNA analysis indicates that disruption of this splice site induces altered splicing and may result in an absent or altered protein product. This variant is present in population databases (rs777556837, gnomAD 0.002%). This variant has not been reported in the literature in individuals affected with INVS-related conditions. ClinVar contains an entry for this variant (Variation ID: 1514009). Studies have shown that disruption of this splice site results in skipping of exon 13 and part of exon 14, and produces a non-functional protein and/or introduces a premature termination codon (PMID: 11935322). In summary, the currently available evidence indicates that the variant is pathogenic, but additional data are needed to prove that conclusively. Therefore, this variant has been classified as Likely Pathogenic.

Fulgent Genetics
Classification: Likely pathogenic for Infantile nephronophthisis. Last evaluated: 2024-02-14. Review status: criteria provided, single submitter. Criteria: ACMG Guidelines, 2015. Collection method: clinical testing. Allele origin: germline.

Literature cited by the submitters: PubMed 11935322 (cited by Labcorp Genetics (formerly Invitae), Labcorp).